The following is an entry in ClinVar:

NM_003482.4(KMT2D):c.2062C>T (p.Arg688Cys)

Gene: KMT2D (lysine methyltransferase 2D; minus strand). Cytogenetic location: 12q13.12.
Variant type: single nucleotide variant.
Coding change: c.2062C>T on transcript NM_003482.4 (MANE Select); coding-DNA position 2062, C replaced by T.
Protein change: p.Arg688Cys; replaces arginine 688 with cysteine.
Molecular consequence: missense variant.
Genome position (GRCh38, 1-based): chr12:49,051,621, G>A on the plus strand (C>T on the coding strand, the complement: KMT2D is on the minus strand). VCF-style: chr12-49051621-G-A. GRCh37 (hg19) VCF-style: chr12-49445404-G-A.
Other names: short protein forms R688C.
Identifiers: ClinVar variation 158749 (VCV000158749.15), dbSNP rs371076182, ClinGen allele CA172415.
Genomic context (GRCh38, chr12:49,051,621, plus strand): 5'-AAGCAGGTGAGTCCTCAGGTGGTGGGGATGTGGGGGAGTCCTCAGGTGGTGGGGAGAGGC[G>A]TGAAGCCTCAGGTGGAGGGGACGTGGGAGACTCCTCAGGCGGTGGGGACAAGGGAGATTC-3'
Protein context (NP_003473.3, residues 678-698): SPTSPPPEAS[Arg688Cys]LSPPPEDSPT

ClinVar aggregate classification (germline): Likely benign. Review status: criteria provided, multiple submitters, no conflicts (2 of 4 stars). 3 submissions from 3 submitters: Likely benign (2). 1 of the submissions does not count toward it. Last evaluated 2025-11-24.

Conditions:
Kabuki syndrome. Also called: NIIKAWA-KUROKI SYNDROME; Kabuki make-up syndrome. Identifiers: Orphanet 2322, MedGen C0796004, MONDO:0016512.
KMT2D-related disorder. Also called: KMT2D-Related Disorders.

Allele frequency attached by ClinVar (database versions not stated): ExAC 0.00008; ESP Exome Variant Server 0.00008; gnomAD exomes 0.00009; gnomAD 0.00016.

Submissions (3):

Labcorp Genetics (formerly Invitae), Labcorp
Classification: Likely benign for Kabuki syndrome. Last evaluated: 2025-11-24. Review status: criteria provided, single submitter. Criteria: Invitae Variant Classification Sherloc (09022015). Collection method: clinical testing. Allele origin: germline.

Genetic Services Laboratory, University of Chicago
Classification: Likely benign. Last evaluated: 2013-02-08. Review status: criteria provided, single submitter. Criteria: ACMG Guidelines, 2007. Collection method: clinical testing. Allele origin: germline. Inheritance: Autosomal dominant inheritance.

PreventionGenetics, part of Exact Sciences
Classification: Likely benign for KMT2D-related condition. Last evaluated: 2023-10-31. Review status: no assertion criteria provided. Collection method: clinical testing. Allele origin: germline. Not counted in ClinVar's aggregate classification.
Comment: This variant is classified as likely benign based on ACMG/AMP sequence variant interpretation guidelines (Richards et al. 2015 PMID: 25741868, with internal and published modifications).